The following is an entry in ClinVar:

ClinVar aggregate classification (germline): Uncertain significance (1 of 4 stars; one submission).

Conditions:
Epidermolysis bullosa simplex 5B, with muscular dystrophy (EBS5B). Also called: EPIDERMOLYSIS BULLOSA SIMPLEX AND LIMB-GIRDLE MUSCULAR DYSTROPHY; Epidermolysis bullosa simplex with muscular dystrophy. Identifiers: Orphanet 257, MedGen C2931072, MONDO:0009181, OMIM 226670.
Epidermolysis bullosa simplex with nail dystrophy (EBS5D). Identifiers: MedGen C4225309, MONDO:0014661, OMIM 616487.
Epidermolysis bullosa simplex, Ogna type (EBS5A). Also called: Pidermolysis bullosa simplex 5A, Ogna type; EPIDERMOLYSIS BULLOSA SIMPLEX 5A, OGNA TYPE. Identifiers: Orphanet 79401, MedGen C0432317, MONDO:0007555, OMIM 131950.
Epidermolysis bullosa simplex 5C, with pyloric atresia (EBS5C). Also called: PLEC-Related Epidermolysis Bullosa with Pyloric Atresia; Epidermolysis bullosa simplex with pyloric atresia; PLEC1-Related Epidermolysis Bullosa with Pyloric Atresia. Identifiers: Orphanet 158684, MedGen C2677349, MONDO:0012807, OMIM 612138.
Autosomal recessive limb-girdle muscular dystrophy type 2Q (LGMDR17). Also called: MUSCULAR DYSTROPHY, LIMB-GIRDLE, AUTOSOMAL RECESSIVE 17. Identifiers: Orphanet 254361, MedGen C3150989, MONDO:0013390, OMIM 613723.

Submission:

Labcorp Genetics (formerly Invitae), Labcorp
Classification: Uncertain significance for Autosomal recessive limb-girdle muscular dystrophy type 2Q; Epidermolysis bullosa simplex, Ogna type; Epidermolysis bullosa simplex with nail dystrophy; Epidermolysis bullosa simplex 5C, with pyloric atresia; Epidermolysis bullosa simplex 5B, with muscular dystrophy. Last evaluated: 2021-03-26. Review status: criteria provided, single submitter. Criteria: Invitae Variant Classification Sherloc (09022015). Collection method: clinical testing. Allele origin: germline.
Comment: This sequence change replaces glutamic acid with glycine at codon 1880 of the PLEC protein (p.Glu1880Gly). The glutamic acid residue is highly conserved and there is a moderate physicochemical difference between glutamic acid and glycine. This variant is not present in population databases (ExAC no frequency). This variant has not been reported in the literature in individuals with PLEC-related conditions. Algorithms developed to predict the effect of missense changes on protein structure and function are either unavailable or do not agree on the potential impact of this missense change (SIFT: "Deleterious"; PolyPhen-2: "Not Available"; Align-GVGD: "Class C65"). In summary, the available evidence is currently insufficient to determine the role of this variant in disease. Therefore, it has been classified as a Variant of Uncertain Significance.

NM_201384.3(PLEC):c.5558A>G (p.Glu1853Gly)

Gene: PLEC (plectin; minus strand). Cytogenetic location: 8q24.3.
Variant type: single nucleotide variant.
Coding change: c.5558A>G on transcript NM_201384.3 (MANE Select); coding-DNA position 5558, A replaced by G.
Protein change: p.Glu1853Gly; replaces glutamic acid 1853 with glycine.
Molecular consequence: missense variant.
Genome position (GRCh38, 1-based): chr8:143,924,371, T>C on the plus strand (A>G on the coding strand, the complement: PLEC is on the minus strand). VCF-style: chr8-143924371-T-C. GRCh37 (hg19) VCF-style: chr8-144998539-T-C.
Other names: c.5639A>G, p.Glu1880Gly (NM_000445.5); c.5516A>G, p.Glu1839Gly (NM_201378.4); c.5492A>G, p.Glu1831Gly (NM_201379.3); c.5969A>G, p.Glu1990Gly (NM_201380.4); c.5462A>G, p.Glu1821Gly (NM_201381.3); c.5558A>G, p.Glu1853Gly (NM_201382.4); c.5570A>G, p.Glu1857Gly (NM_201383.3); short protein forms E1853G, E1857G, E1839G, E1880G, E1821G, E1990G, E1831G.
Identifiers: ClinVar variation 1519934 (VCV001519934.8), dbSNP rs2131392882, ClinGen allele CA372543836.